The following is an entry in ClinVar:

NM_000447.3(PSEN2):c.482A>G (p.Lys161Arg)

Gene: PSEN2 (presenilin 2; plus strand). Cytogenetic location: 1q42.13.
Variant type: single nucleotide variant.
Coding change: c.482A>G on transcript NM_000447.3 (MANE Select); coding-DNA position 482, A replaced by G.
Protein change: p.Lys161Arg; replaces lysine 161 with arginine.
Molecular consequence: missense variant.
Genome position (GRCh38, 1-based): chr1:226,885,663, A>G. VCF-style: chr1-226885663-A-G. GRCh37 (hg19) VCF-style: chr1-227073364-A-G.
Other names: c.482A>G, p.Lys161Arg (NM_012486.3); short protein forms K161R.
Identifiers: ClinVar variation 972418 (VCV000972418.8), dbSNP rs755101354, ClinGen allele CA1424529.

ClinVar aggregate classification (germline): Uncertain significance (1 of 4 stars; one submission).

Conditions:
Alzheimer disease 4 (AD4). Identifiers: Orphanet 1020, MedGen C1847200, MONDO:0011743, OMIM 606889.

Allele frequency attached by ClinVar (database versions not stated): gnomAD exomes below 0.00001 and 0.00001; TOPMed below 0.00001; ExAC 0.00001; gnomAD 0.00001.

Submission:

Labcorp Genetics (formerly Invitae), Labcorp
Classification: Uncertain significance for Alzheimer disease 4. Last evaluated: 2024-05-16. Review status: criteria provided, single submitter. Criteria: Invitae Variant Classification Sherloc (09022015). Collection method: clinical testing. Allele origin: germline.
Comment: This sequence change replaces lysine, which is basic and polar, with arginine, which is basic and polar, at codon 161 of the PSEN2 protein (p.Lys161Arg). This variant is present in population databases (rs755101354, gnomAD 0.006%). This missense change has been observed in individual(s) with Alzheimer's disease (PMID: 22475797). ClinVar contains an entry for this variant (Variation ID: 972418). Advanced modeling of protein sequence and biophysical properties (such as structural, functional, and spatial information, amino acid conservation, physicochemical variation, residue mobility, and thermodynamic stability) has been performed at Invitae for this missense variant, however the output from this modeling did not meet the statistical confidence thresholds required to predict the impact of this variant on PSEN2 protein function. Algorithms developed to predict the effect of sequence changes on RNA splicing suggest that this variant may create or strengthen a splice site. In summary, the available evidence is currently insufficient to determine the role of this variant in disease. Therefore, it has been classified as a Variant of Uncertain Significance.

Literature cited by the submitters: PubMed 22475797.